The following is an entry in ClinVar:

ClinVar aggregate classification (germline): Conflicting classifications of pathogenicity. Review status: criteria provided, conflicting classifications (1 of 4 stars). 3 submissions from 3 submitters: Uncertain significance (1); Likely benign (2). Last evaluated 2026-01-26.

Conditions:
Developmental and epileptic encephalopathy, 80. Also called: EPILEPTIC ENCEPHALOPATHY, EARLY INFANTILE, 80; GLYCOSYLPHOSPHATIDYLINOSITOL BIOSYNTHESIS DEFECT 20. Identifiers: MedGen C5231418, MONDO:0032822, OMIM 618580.
Inborn genetic diseases. Identifiers: MedGen C0950123, MeSH D030342.

Allele frequency attached by ClinVar (database versions not stated): 1000 Genomes Project 0.00040; 1000 Genomes Project 30x 0.00047; gnomAD 0.00101 and 0.00109; ESP Exome Variant Server 0.00109; TOPMed 0.00148.
gnomAD v4.1: 900 of 1,613,430 alleles (0.056%); highest among the groups gnomAD compares: Admixed American, 0.23%; no homozygotes.

Submissions (3):

Labcorp Genetics (formerly Invitae), Labcorp
Classification: Likely benign. Last evaluated: 2026-01-26. Review status: criteria provided, single submitter. Criteria: Invitae Variant Classification Sherloc (09022015). Collection method: clinical testing. Allele origin: germline.

Ambry Genetics
Classification: Likely benign for Inborn genetic diseases. Last evaluated: 2022-04-25. Review status: criteria provided, single submitter. Criteria: Ambry Variant Classification Scheme 2023. Collection method: clinical testing. Allele origin: germline.

Baylor Genetics
Classification: Uncertain significance for Developmental and epileptic encephalopathy, 80. Last evaluated: 2020-11-05. Review status: criteria provided, single submitter. Criteria: ACMG Guidelines, 2015. Collection method: clinical testing. Allele origin: unknown. Affected: yes.
Comment: This variant was determined to be of uncertain significance according to ACMG Guidelines, 2015 [PMID:25741868].

NM_004855.5(PIGB):c.1432C>G (p.Leu478Val)

Gene: PIGB (phosphatidylinositol glycan anchor biosynthesis class B; plus strand). Cytogenetic location: 15q21.3.
Variant type: single nucleotide variant.
Coding change: c.1432C>G on transcript NM_004855.5 (MANE Select); coding-DNA position 1432, C replaced by G.
Protein change: p.Leu478Val; replaces leucine 478 with valine.
Molecular consequence: missense variant.
Genome position (GRCh38, 1-based): chr15:55,354,892, C>G. VCF-style: chr15-55354892-C-G. GRCh37 (hg19) VCF-style: chr15-55647090-C-G.
Other names: short protein forms L478V.
Identifiers: ClinVar variation 1028306 (VCV001028306.10), dbSNP rs187070265, ClinGen allele CA7574096.